The following is an entry in ClinVar:

ClinVar aggregate classification (germline): Uncertain significance. Review status: criteria provided, multiple submitters, no conflicts (2 of 4 stars). 2 submissions from 2 submitters: Uncertain significance (2). Last evaluated 2025-05-12.

Conditions:
Inborn genetic diseases. Identifiers: MedGen C0950123, MeSH D030342.

Allele frequency attached by ClinVar (database versions not stated): gnomAD exomes below 0.00001; TOPMed below 0.00001; gnomAD 0.00001.
gnomAD v4.1: 6 of 1,613,762 alleles (0.00037%); highest among the groups gnomAD compares: East Asian, 0.0045%; no homozygotes.

Submissions (2):

Labcorp Genetics (formerly Invitae), Labcorp
Classification: Uncertain significance. Last evaluated: 2025-05-12. Review status: criteria provided, single submitter. Criteria: Invitae Variant Classification Sherloc (09022015). Collection method: clinical testing. Allele origin: germline.
Comment: This sequence change replaces isoleucine, which is neutral and non-polar, with valine, which is neutral and non-polar, at codon 216 of the GPC6 protein (p.Ile216Val). This variant is present in population databases (no rsID available, gnomAD 0.01%). This variant has not been reported in the literature in individuals affected with GPC6-related conditions. ClinVar contains an entry for this variant (Variation ID: 1906143). An algorithm developed to predict the effect of missense changes on protein structure and function (PolyPhen-2) suggests that this variant is likely to be tolerated. In summary, the available evidence is currently insufficient to determine the role of this variant in disease. Therefore, it has been classified as a Variant of Uncertain Significance.

Ambry Genetics
Classification: Uncertain significance for Inborn genetic diseases. Last evaluated: 2024-04-08. Review status: criteria provided, single submitter. Criteria: Ambry Variant Classification Scheme 2023. Collection method: clinical testing. Allele origin: germline.

NM_005708.5(GPC6):c.646A>G (p.Ile216Val)

Genes: GPC6 (glypican 6; plus strand), GPC6-AS2 (GPC6 antisense RNA 2; minus strand). Cytogenetic location: 13q31.3.
Variant type: single nucleotide variant.
Coding change: c.646A>G on transcript NM_005708.5 (MANE Select); coding-DNA position 646, A replaced by G.
Protein change: p.Ile216Val; replaces isoleucine 216 with valine.
Molecular consequence: missense variant.
Genome position (GRCh38, 1-based): chr13:93,830,480, A>G. VCF-style: chr13-93830480-A-G. GRCh37 (hg19) VCF-style: chr13-94482733-A-G.
Other names: c.646A>G (NM_005708.3); short protein forms I216V.
Identifiers: ClinVar variation 1906143 (VCV001906143.5), dbSNP rs1286625225, ClinGen allele CA388465766.